The following is an entry in ClinVar:

ClinVar aggregate classification (germline): Likely pathogenic. Review status: criteria provided, multiple submitters, no conflicts (2 of 4 stars). 4 submissions from 4 submitters: Likely pathogenic (3). 1 of the submissions does not count toward it. Last evaluated 2024-03-21.

Conditions:
Fanconi anemia complementation group A (FANCA). Also called: Fanconi anemia, group A; FANCA-Related Fanconi Anemia. Identifiers: Orphanet 84, MedGen C3469521, MONDO:0009215, OMIM 227650.
Fanconi anemia (FA). Also called: Fanconi's anemia. Identifiers: Orphanet 84, MedGen C0015625, MeSH D005199, MONDO:0019391.

Submissions (4):

Baylor Genetics
Classification: Likely pathogenic for Fanconi anemia complementation group A. Last evaluated: 2024-03-21. Review status: criteria provided, single submitter. Criteria: ACMG Guidelines, 2015. Collection method: clinical testing. Allele origin: unknown.

Daryl Scott Lab, Baylor College of Medicine
Classification: Likely pathogenic for Fanconi anemia complementation group A. Last evaluated: 2024-01-01. Review status: criteria provided, single submitter. Criteria: ACMG Guidelines, 2015. Collection method: clinical testing. Allele origin: maternal. Observed: 1 heterozygote.
Comment: PVS1, PM2

Labcorp Genetics (formerly Invitae), Labcorp
Classification: Likely pathogenic for Fanconi anemia. Last evaluated: 2021-06-15. Review status: criteria provided, single submitter. Criteria: Invitae Variant Classification Sherloc (09022015). Collection method: clinical testing. Allele origin: germline.
Comment: This sequence change affects a donor splice site in intron 6 of the FANCA gene. It is expected to disrupt RNA splicing. Variants that disrupt the donor or acceptor splice site typically lead to a loss of protein function (PMID: 16199547), and loss-of-function variants in FANCA are known to be pathogenic (PMID: 19367192). This variant is not present in population databases (ExAC no frequency). Disruption of this splice site has been observed in individual(s) with clinical features of Fanconi anemia (PMID: 24584348). ClinVar contains an entry for this variant (Variation ID: 558184). Algorithms developed to predict the effect of sequence changes on RNA splicing suggest that this variant may disrupt the consensus splice site, but this prediction has not been confirmed by published transcriptional studies. In summary, the currently available evidence indicates that the variant is pathogenic, but additional data are needed to prove that conclusively. Therefore, this variant has been classified as Likely Pathogenic.

Counsyl
Classification: Likely pathogenic for Fanconi anemia complementation group A. Last evaluated: 2018-05-03. Review status: no assertion criteria provided. Collection method: clinical testing. Allele origin: unknown. Not counted in ClinVar's aggregate classification.

Literature cited by the submitters: PubMed 16199547 (cited by Labcorp Genetics (formerly Invitae), Labcorp); PubMed 19367192 (cited by Labcorp Genetics (formerly Invitae), Labcorp); PubMed 24584348 (cited by Labcorp Genetics (formerly Invitae), Labcorp).

NM_000135.4(FANCA):c.596+2T>C

Gene: FANCA (FA complementation group A; minus strand). Cytogenetic location: 16q24.3.
Variant type: single nucleotide variant.
Coding change: c.596+2T>C on transcript NM_000135.4 (MANE Select); the canonical splice donor site of the intron after coding-DNA position 596, T replaced by C.
Molecular consequence: splice donor variant.
Genome position (GRCh38, 1-based): chr16:89,808,292, A>G on the plus strand (T>C on the coding strand, the complement: FANCA is on the minus strand). VCF-style: chr16-89808292-A-G. GRCh37 (hg19) VCF-style: chr16-89874700-A-G.
Other names: c.596+2T>C (NM_001286167.3, NM_001018112.3); c.500+2T>C (NM_001351830.2).
Identifiers: ClinVar variation 558184 (VCV000558184.13), dbSNP rs1555573118, ClinGen allele CA397479098.
Genomic context (GRCh38, chr16:89,808,292, plus strand): 5'-ATATAATTTATACTAGACTAGACTGCAAAAACAGTAACACTGAATCATCATTAGCACGCT[A>G]CCTTTCCAGCAGCTCTTGCAGGCTCACAATGCCTTGTACGTGAAGATGCCACACCGCTTC-3'